The following is an entry in ClinVar:

ClinVar aggregate classification (germline): Benign/Likely benign. Review status: criteria provided, multiple submitters, no conflicts (2 of 4 stars). 6 submissions from 6 submitters: Benign (2); Likely benign (4). Last evaluated 2026-01-27.

Conditions:
Kabuki syndrome. Also called: NIIKAWA-KUROKI SYNDROME; Kabuki make-up syndrome. Identifiers: Orphanet 2322, MedGen C0796004, MONDO:0016512.

Allele frequency attached by ClinVar (database versions not stated): gnomAD exomes 0.00012 and 0.00026; TOPMed 0.00015; 1000 Genomes Project 30x 0.00016; 1000 Genomes Project 0.00020; ExAC 0.00022; ESP Exome Variant Server 0.00024.
gnomAD v4.1: 216 of 1,613,656 alleles (0.013%); highest among the groups gnomAD compares: South Asian, 0.018%; 1 homozygote.

Submissions (6):

Labcorp Genetics (formerly Invitae), Labcorp
Classification: Benign for Kabuki syndrome. Last evaluated: 2026-01-27. Review status: criteria provided, single submitter. Criteria: Invitae Variant Classification Sherloc (09022015). Collection method: clinical testing. Allele origin: germline.

Laboratory of Genetics, Children's Clinical University Hospital Latvia
Classification: Likely benign. Last evaluated: 2025-02-16. Review status: criteria provided, single submitter. Criteria: ACMG Guidelines, 2015. Collection method: clinical testing. Allele origin: germline. Affected: yes.

Blueprint Genetics
Classification: Likely benign. Last evaluated: 2024-05-22. Review status: criteria provided, single submitter. Criteria: ACMG Guidelines, 2015. Collection method: clinical testing. Allele origin: germline.

CeGaT Center for Human Genetics Tuebingen
Classification: Likely benign. Last evaluated: 2024-03-01. Review status: criteria provided, single submitter. Criteria: CeGaT Center For Human Genetics Tuebingen Variant Classification Criteria Version 2. Collection method: clinical testing. Allele origin: germline. Affected: yes. Observed: 4 variant alleles.
Comment: KMT2D: BP4, BP7

GeneDx
Classification: Benign. Last evaluated: 2019-07-15. Review status: criteria provided, single submitter. Criteria: GeneDx Variant Classification Process June 2021. Collection method: clinical testing. Allele origin: germline. Affected: yes.

PreventionGenetics, part of Exact Sciences
Classification: Likely benign. Review status: criteria provided, single submitter. Criteria: ACMG Guidelines, 2015. Collection method: clinical testing. Allele origin: germline.

NM_003482.4(KMT2D):c.4089C>T (p.Thr1363=)

Gene: KMT2D (lysine methyltransferase 2D; minus strand). Cytogenetic location: 12q13.12.
Variant type: single nucleotide variant.
Coding change: c.4089C>T on transcript NM_003482.4 (MANE Select); coding-DNA position 4089, C replaced by T.
Protein change: p.Thr1363=; no amino-acid change (threonine 1363 retained).
Molecular consequence: synonymous variant.
Genome position (GRCh38, 1-based): chr12:49,048,701, G>A on the plus strand (C>T on the coding strand, the complement: KMT2D is on the minus strand). VCF-style: chr12-49048701-G-A. GRCh37 (hg19) VCF-style: chr12-49442484-G-A.
Identifiers: ClinVar variation 259058 (VCV000259058.39), dbSNP rs369601017, ClinGen allele CA6547908.
Genomic context (GRCh38, chr12:49,048,701, plus strand): 5'-GGTCTCACTGTATGGTACCTGCATTAGGACAAATTTGTCTGTGTTGGAGAAGAGAACCAC[G>A]GTATTCTGCATGGTGTCATCATCTTCTTCCTCCTCCTCCTTACTGGGAGAGCTATCAATG-3'
Protein context (NP_003473.3, residues 1353-1373): EEEDDDTMQN[Thr1363=]VVLFSNTDKF